The following is an entry in ClinVar:

NM_000183.3(HADHB):c.149A>T (p.Asn50Ile)

Gene: HADHB (hydroxyacyl-CoA dehydrogenase trifunctional multienzyme complex subunit beta; plus strand). Cytogenetic location: 2p23.3.
Variant type: single nucleotide variant.
Coding change: c.149A>T on transcript NM_000183.3 (MANE Select); coding-DNA position 149, A replaced by T.
Protein change: p.Asn50Ile; replaces asparagine 50 with isoleucine.
Molecular consequence: missense variant.
Genome position (GRCh38, 1-based): chr2:26,263,419, A>T. VCF-style: chr2-26263419-A-T. GRCh37 (hg19) VCF-style: chr2-26486287-A-T.
Other names: c.149A>T, p.Asn50Ile (NM_001281512.2); c.83A>T, p.Asn28Ile (NM_001281513.2); short protein forms N28I, N50I.
Identifiers: ClinVar variation 3724543 (VCV003724543.2).

ClinVar aggregate classification (germline): Uncertain significance (1 of 4 stars; one submission).

Conditions:
Mitochondrial trifunctional protein deficiency. Identifiers: Orphanet 746, MedGen C1969443, MONDO:0012172.

gnomAD v4.1: 2 of 1,613,544 alleles (0.00012%); highest among the groups gnomAD compares: Non-Finnish European, 0.00017%; no homozygotes.

Submission:

Labcorp Genetics (formerly Invitae), Labcorp
Classification: Uncertain significance for Mitochondrial trifunctional protein deficiency. Last evaluated: 2024-11-11. Review status: criteria provided, single submitter. Criteria: Invitae Variant Classification Sherloc (09022015). Collection method: clinical testing. Allele origin: germline.
Comment: This sequence change replaces asparagine, which is neutral and polar, with isoleucine, which is neutral and non-polar, at codon 50 of the HADHB protein (p.Asn50Ile). This variant is not present in population databases (gnomAD no frequency). This variant has not been reported in the literature in individuals affected with HADHB-related conditions. An algorithm developed to predict the effect of missense changes on protein structure and function (PolyPhen-2) suggests that this variant is likely to be disruptive. In summary, the available evidence is currently insufficient to determine the role of this variant in disease. Therefore, it has been classified as a Variant of Uncertain Significance.